The following is an entry in ClinVar:

NM_002693.3(POLG):c.1996C>T (p.Gln666Ter)

Gene: POLG (DNA polymerase gamma, catalytic subunit; minus strand). Cytogenetic location: 15q26.1.
Variant type: single nucleotide variant.
Coding change: c.1996C>T on transcript NM_002693.3 (MANE Select); coding-DNA position 1996, C replaced by T.
Protein change: p.Gln666Ter; replaces glutamine 666 with a stop codon.
Molecular consequence: nonsense.
Genome position (GRCh38, 1-based): chr15:89,324,181, G>A on the plus strand (C>T on the coding strand, the complement: POLG is on the minus strand). VCF-style: chr15-89324181-G-A. GRCh37 (hg19) VCF-style: chr15-89867412-G-A.
Other names: c.1996C>T, p.Gln666Ter (NM_001126131.2); short protein forms Q666*.
Identifiers: ClinVar variation 3663012 (VCV003663012.2).
Genomic context (GRCh38, chr15:89,324,181, plus strand): 5'-CACTATTGTCAGTGAGCAGGAACTCCTCCGCCAGGCCGGCCTCCTGGGGCATCAGCTGCT[G>A]CTTCCCCTGTTCGAGACAGTGCTTCCTGTACAGGGACTCGATGGCTCTGGGCAGAGAACA-3'

ClinVar aggregate classification (germline): Pathogenic (1 of 4 stars; one submission).

Conditions:
Progressive sclerosing poliodystrophy (MTDPS4A). Also called: ALPERS PROGRESSIVE INFANTILE POLIODYSTROPHY; NEURONAL DEGENERATION OF CHILDHOOD WITH LIVER DISEASE, PROGRESSIVE; Alpers Syndrome; ALPERS DIFFUSE DEGENERATION OF CEREBRAL GRAY MATTER WITH HEPATIC CIRRHOSIS; Alpers-Huttenlocher Syndrome; Mitochondrial DNA depletion syndrome 4A (Alpers type). Identifiers: Orphanet 726, MedGen C0205710, MONDO:0008758, OMIM 203700.

gnomAD v4.1: 1 of 1,613,778 alleles (0.000062%); highest among the groups gnomAD compares: Non-Finnish European, 0.000085%; no homozygotes.

Submission:

Labcorp Genetics (formerly Invitae), Labcorp
Classification: Pathogenic for Progressive sclerosing poliodystrophy. Last evaluated: 2024-08-31. Review status: criteria provided, single submitter. Criteria: Invitae Variant Classification Sherloc (09022015). Collection method: clinical testing. Allele origin: germline.
Comment: This sequence change creates a premature translational stop signal (p.Gln666*) in the POLG gene. It is expected to result in an absent or disrupted protein product. Loss-of-function variants in POLG are known to be pathogenic (PMID: 18546365). This variant is not present in population databases (gnomAD no frequency). This variant has not been reported in the literature in individuals affected with POLG-related conditions. For these reasons, this variant has been classified as Pathogenic.

Literature cited by the submitters: PubMed 18546365.